The following is an entry in ClinVar:

NM_001211.6(BUB1B):c.582-3T>C

Gene: BUB1B (BUB1 mitotic checkpoint serine/threonine kinase B; plus strand). Cytogenetic location: 15q15.1.
Variant type: single nucleotide variant.
Coding change: c.582-3T>C on transcript NM_001211.6 (MANE Select); 3 bases into the intron before coding-DNA position 582, T replaced by C.
Molecular consequence: intron variant.
Genome position (GRCh38, 1-based): chr15:40,183,711, T>C. VCF-style: chr15-40183711-T-C. GRCh37 (hg19) VCF-style: chr15-40475912-T-C.
Identifiers: ClinVar variation 1425754 (VCV001425754.6), dbSNP rs2037323557, ClinGen allele CA2171660839.

ClinVar aggregate classification (germline): Uncertain significance (1 of 4 stars; one submission).

Conditions:
Mosaic variegated aneuploidy syndrome 1 (MVA1). Also called: Warburton-Anyane-Yeboa syndrome. Identifiers: Orphanet 1052, MedGen C1850343, MONDO:0009759, OMIM 257300.

Submission:

Labcorp Genetics (formerly Invitae), Labcorp
Classification: Uncertain significance for Mosaic variegated aneuploidy syndrome 1. Last evaluated: 2022-09-05. Review status: criteria provided, single submitter. Criteria: Invitae Variant Classification Sherloc (09022015). Collection method: clinical testing. Allele origin: germline.
Comment: Variants that disrupt the consensus splice site are a relatively common cause of aberrant splicing (PMID: 17576681, 9536098). Algorithms developed to predict the effect of sequence changes on RNA splicing suggest that this variant is not likely to affect RNA splicing. In summary, the available evidence is currently insufficient to determine the role of this variant in disease. Therefore, it has been classified as a Variant of Uncertain Significance. ClinVar contains an entry for this variant (Variation ID: 1425754). This sequence change falls in intron 5 of the BUB1B gene. It does not directly change the encoded amino acid sequence of the BUB1B protein. It affects a nucleotide within the consensus splice site. This variant is not present in population databases (gnomAD no frequency). This variant has not been reported in the literature in individuals affected with BUB1B-related conditions.

Literature cited by the submitters: PubMed 17576681; PubMed 9536098.